The following is an entry in ClinVar:

NM_001374736.1(DST):c.15300T>A (p.His5100Gln)

Gene: DST (dystonin; minus strand). Cytogenetic location: 6p12.1.
Variant type: single nucleotide variant.
Coding change: c.15300T>A on transcript NM_001374736.1 (MANE Select); coding-DNA position 15300, T replaced by A.
Protein change: p.His5100Gln; replaces histidine 5100 with glutamine.
Molecular consequence: missense variant.
Genome position (GRCh38, 1-based): chr6:56,553,492, A>T on the plus strand (T>A on the coding strand, the complement: DST is on the minus strand). VCF-style: chr6-56553492-A-T. GRCh37 (hg19) VCF-style: chr6-56418290-A-T.
Other names: c.8943T>A, p.His2981Gln (NM_001144769.5); c.8529T>A, p.His2843Gln (NM_001144770.2); c.15300T>A, p.His5100Gln (NM_001374722.1); c.14667T>A, p.His4889Gln (NM_001374729.1); c.8409T>A, p.His2803Gln (NM_001374730.1, NM_001386100.1, NM_183380.4); c.15327T>A, p.His5109Gln (NM_001374734.1); c.7431T>A, p.His2477Gln (NM_015548.5); short protein forms H2477Q, H2803Q, H2843Q, H2981Q, H4889Q, H5100Q, H5109Q.
Identifiers: ClinVar variation 1053729 (VCV001053729.10), dbSNP rs375524719, ClinGen allele CA139206564.

ClinVar aggregate classification (germline): Uncertain significance. Review status: criteria provided, multiple submitters, no conflicts (2 of 4 stars). 2 submissions from 2 submitters: Uncertain significance (2). Last evaluated 2023-09-10.

Conditions:
Inborn genetic diseases. Identifiers: MedGen C0950123, MeSH D030342.
Epidermolysis bullosa simplex 3, localized or generalized intermediate, with BP230 deficiency (EBS3). Also called: Epidermolysis bullosa simplex due to BP230 deficiency; Epidermolysis bullosa simplex, autosomal recessive 2. Identifiers: Orphanet 412181, MedGen C3809470, MONDO:0014180, OMIM 615425.
Hereditary sensory and autonomic neuropathy type 6. Also called: HSAN VI; Neuropathy, hereditary sensory and autonomic, type VI. Identifiers: Orphanet 314381, MedGen C3539003, MONDO:0013839, OMIM 614653.

Allele frequency attached by ClinVar (database versions not stated): gnomAD exomes below 0.00001 and 0.00001; gnomAD 0.00001 and 0.00002; TOPMed 0.00002.
gnomAD v4.1: 19 of 1,613,706 alleles (0.0012%); highest among the groups gnomAD compares: East Asian, 0.0067%; no homozygotes.

Submissions (2):

Labcorp Genetics (formerly Invitae), Labcorp
Classification: Uncertain significance for Epidermolysis bullosa simplex 3, localized or generalized intermediate, with BP230 deficiency; Hereditary sensory and autonomic neuropathy type 6. Last evaluated: 2023-09-10. Review status: criteria provided, single submitter. Criteria: Invitae Variant Classification Sherloc (09022015). Collection method: clinical testing. Allele origin: germline.
Comment: In summary, the available evidence is currently insufficient to determine the role of this variant in disease. Therefore, it has been classified as a Variant of Uncertain Significance. Experimental studies and prediction algorithms are not available or were not evaluated, and the functional significance of this variant is currently unknown. This variant has not been reported in the literature in individuals affected with DST-related conditions. This variant is present in population databases (rs375524719, gnomAD 0.02%). This sequence change replaces histidine, which is basic and polar, with glutamine, which is neutral and polar, at codon 2477 of the DST protein (p.His2477Gln). The DST gene has multiple clinically relevant transcripts. This variant occurs in alternate transcript NM_015548.4, and corresponds to NM_001723.5:c.*62025T>A in the primary transcript.

Ambry Genetics
Classification: Uncertain significance for Inborn genetic diseases. Last evaluated: 2019-11-20. Review status: criteria provided, single submitter. Criteria: Ambry Variant Classification Scheme 2023. Collection method: clinical testing. Allele origin: germline.
Comment: The p.H2981Q variant (also known as c.8943T>A), located in coding exon 55 of the DST gene, results from a T to A substitution at nucleotide position 8943. The histidine at codon 2981 is replaced by glutamine, an amino acid with highly similar properties. This amino acid position is poorly conserved in available vertebrate species. In addition, this alteration is predicted to be tolerated by in silico analysis. Since supporting evidence is limited at this time, the clinical significance of this alteration remains unclear.